The following is an entry in ClinVar:

ClinVar aggregate classification (germline): Uncertain significance. Review status: criteria provided, multiple submitters, no conflicts (2 of 4 stars). 2 submissions from 2 submitters: Uncertain significance (2). Last evaluated 2025-03-31.

Conditions:
Inborn genetic diseases. Identifiers: MedGen C0950123, MeSH D030342.

Allele frequency attached by ClinVar (database versions not stated): gnomAD exomes below 0.00001 and 0.00001; TOPMed below 0.00001; gnomAD 0.00001.
gnomAD v4.1: 2 of 1,610,836 alleles (0.00012%); highest among the groups gnomAD compares: East Asian, 0.0022%; no homozygotes.

Submissions (2):

Ambry Genetics
Classification: Uncertain significance for Inborn genetic diseases. Last evaluated: 2025-03-31. Review status: criteria provided, single submitter. Criteria: Ambry Variant Classification Scheme 2023. Collection method: clinical testing. Allele origin: germline.

Labcorp Genetics (formerly Invitae), Labcorp
Classification: Uncertain significance. Last evaluated: 2024-10-14. Review status: criteria provided, single submitter. Criteria: Invitae Variant Classification Sherloc (09022015). Collection method: clinical testing. Allele origin: germline.
Comment: This sequence change replaces glutamine, which is neutral and polar, with glutamic acid, which is acidic and polar, at codon 155 of the TTLL5 protein (p.Gln155Glu). This variant is present in population databases (no rsID available, gnomAD 0.007%). This variant has not been reported in the literature in individuals affected with TTLL5-related conditions. ClinVar contains an entry for this variant (Variation ID: 1433665). Invitae Evidence Modeling of protein sequence and biophysical properties (such as structural, functional, and spatial information, amino acid conservation, physicochemical variation, residue mobility, and thermodynamic stability) indicates that this missense variant is not expected to disrupt TTLL5 protein function with a negative predictive value of 80%. In summary, the available evidence is currently insufficient to determine the role of this variant in disease. Therefore, it has been classified as a Variant of Uncertain Significance.

NM_015072.5(TTLL5):c.463C>G (p.Gln155Glu)

Gene: TTLL5 (tubulin tyrosine ligase like 5; plus strand). Cytogenetic location: 14q24.3.
Variant type: single nucleotide variant.
Coding change: c.463C>G on transcript NM_015072.5 (MANE Select); coding-DNA position 463, C replaced by G.
Protein change: p.Gln155Glu; replaces glutamine 155 with glutamic acid.
Molecular consequence: missense variant.
Genome position (GRCh38, 1-based): chr14:75,690,283, C>G. VCF-style: chr14-75690283-C-G. GRCh37 (hg19) VCF-style: chr14-76156626-C-G.
Other names: c.463C>G (NM_015072.4); short protein forms Q155E.
Identifiers: ClinVar variation 1433665 (VCV001433665.6), dbSNP rs1266723091, ClinGen allele CA390453739.